The following is an entry in ClinVar:

ClinVar aggregate classification (germline): Likely benign (1 of 4 stars; one submission).

Allele frequency attached by ClinVar (database versions not stated): TOPMed 0.01574; gnomAD 0.01726; 1000 Genomes Project 0.01817; 1000 Genomes Project 30x 0.01843; gnomAD exomes 0.02266.
gnomAD v4.1: 13,522 of 644,152 alleles (2.1%); highest among the groups gnomAD compares: South Asian, 4.5%; 231 homozygotes.

Submission:

GeneDx
Classification: Likely benign. Last evaluated: 2018-06-16. Review status: criteria provided, single submitter. Criteria: GeneDx Variant Classification (06012015). Collection method: clinical testing. Allele origin: germline. Affected: yes.
Comment: This variant is considered likely benign or benign based on one or more of the following criteria: it is a conservative change, it occurs at a poorly conserved position in the protein, it is predicted to be benign by multiple in silico algorithms, and/or has population frequency not consistent with disease.

NM_001376.5(DYNC1H1):c.13006+190C>T

Gene: DYNC1H1 (dynein cytoplasmic 1 heavy chain 1; plus strand). Cytogenetic location: 14q32.31.
Variant type: single nucleotide variant.
Coding change: c.13006+190C>T on transcript NM_001376.5 (MANE Select); 190 bases into the intron after coding-DNA position 13006, C replaced by T.
Molecular consequence: intron variant.
Genome position (GRCh38, 1-based): chr14:102,044,888, C>T. VCF-style: chr14-102044888-C-T. GRCh37 (hg19) VCF-style: chr14-102511225-C-T.
Identifiers: ClinVar variation 673421 (VCV000673421.1), dbSNP rs17512898, ClinGen allele CA266981907.